The following is an entry in ClinVar:

ClinVar aggregate classification (germline): Pathogenic (1 of 4 stars; one submission).

Conditions:
Hereditary insensitivity to pain with anhidrosis (CIPA). Also called: INSENSITIVITY TO PAIN, CONGENITAL, WITH ANHIDROSIS; FAMILIAL DYSAUTONOMIA, TYPE II; NEUROPATHY, CONGENITAL SENSORY, WITH ANHIDROSIS; NTRK1 Congenital Insensitivity to Pain with Anhidrosis; HSAN Type IV; hereditary sensory and autonomic neuropathy type 4. Identifiers: Orphanet 642, MedGen C0020074, MONDO:0009746, OMIM 256800.

Submission:

Labcorp Genetics (formerly Invitae), Labcorp
Classification: Pathogenic for Hereditary insensitivity to pain with anhidrosis. Last evaluated: 2025-12-08. Review status: criteria provided, single submitter. Criteria: Invitae Variant Classification Sherloc (09022015). Collection method: clinical testing. Allele origin: germline.
Comment: This sequence change replaces valine, which is neutral and non-polar, with leucine, which is neutral and non-polar, at codon 709 of the NTRK1 protein (p.Val709Leu). This variant is not present in population databases (gnomAD no frequency). This missense change has been observed in individuals with congenital insensitivity to pain with anhidrosis (PMID: 18162686, 27761255, 32219930). It has also been observed to segregate with disease in related individuals. Invitae Evidence Modeling of protein sequence and biophysical properties (such as structural, functional, and spatial information, amino acid conservation, physicochemical variation, residue mobility, and thermodynamic stability) has been performed for this missense variant. However, the output from this modeling did not meet the statistical confidence thresholds required to predict the impact of this variant on NTRK1 protein function. Experimental studies have shown that this missense change affects NTRK1 function (PMID: 32219930). This variant disrupts the p.Val709 amino acid residue in NTRK1. Other variant(s) that disrupt this residue have been determined to be pathogenic (PMID: 11668614). This suggests that this residue is clinically significant, and that variants that disrupt this residue are likely to be disease-causing. For these reasons, this variant has been classified as Pathogenic.

Literature cited by the submitters: PubMed 18162686; PubMed 27761255; PubMed 32219930; PubMed 11668614.

NM_002529.4(NTRK1):c.2143G>T (p.Val715Leu)

Gene: NTRK1 (neurotrophic receptor tyrosine kinase 1; plus strand). Cytogenetic location: 1q23.1.
Variant type: single nucleotide variant.
Coding change: c.2143G>T on transcript NM_002529.4 (MANE Select); coding-DNA position 2143, G replaced by T.
Protein change: p.Val715Leu; replaces valine 715 with leucine.
Molecular consequence: missense variant.
Genome position (GRCh38, 1-based): chr1:156,880,095, G>T. VCF-style: chr1-156880095-G-T. GRCh37 (hg19) VCF-style: chr1-156849887-G-T.
Other names: c.2035G>T, p.Val679Leu (NM_001007792.1); c.2125G>T, p.Val709Leu (NM_001012331.2); short protein forms V715L, V709L, V679L.
Identifiers: ClinVar variation 4763749 (VCV004763749.1).
Genomic context (GRCh38, chr1:156,880,095, plus strand): 5'-CCGCCCGAGAGCATCCTGTACCGTAAGTTCACCACCGAGAGCGACGTGTGGAGCTTCGGC[G>T]TGGTGCTCTGGGAGATCTTCACCTACGGCAAGCAGCCCTGGTACCAGCTCTCCAACACGG-3'
Protein context (NP_002520.2, residues 705-725): TTESDVWSFG[Val715Leu]VLWEIFTYGK